The following is an entry in ClinVar:

NM_014363.6(SACS):c.13660T>A (p.Ser4554Thr)

Gene: SACS (sacsin molecular chaperone; minus strand). Cytogenetic location: 13q12.12.
Variant type: single nucleotide variant.
Coding change: c.13660T>A on transcript NM_014363.6 (MANE Select); coding-DNA position 13660, T replaced by A.
Protein change: p.Ser4554Thr; replaces serine 4554 with threonine.
Molecular consequence: missense variant.
Genome position (GRCh38, 1-based): chr13:23,330,216, A>T on the plus strand (T>A on the coding strand, the complement: SACS is on the minus strand). VCF-style: chr13-23330216-A-T. GRCh37 (hg19) VCF-style: chr13-23904355-A-T.
Other names: c.13219T>A, p.Ser4407Thr (NM_001278055.2); short protein forms S4407T, S4554T.
Identifiers: ClinVar variation 2631109 (VCV002631109.1), dbSNP rs2542134204, ClinGen allele CA387504764.

ClinVar aggregate classification (germline): Uncertain significance (1 of 4 stars; one submission).

Conditions:
SACS-related disorder. Also called: SACS-related condition.

Submission:

PreventionGenetics, part of Exact Sciences
Classification: Uncertain significance for SACS-related condition. Last evaluated: 2023-08-30. Review status: criteria provided, single submitter. Criteria: ACMG Guidelines, 2015. Collection method: clinical testing. Allele origin: germline.
Comment: The SACS c.13660T>A variant is predicted to result in the amino acid substitution p.Ser4554Thr. To our knowledge, this variant has not been reported in the literature or in a large population database, indicating this variant is rare. At this time, the clinical significance of this variant is uncertain due to the absence of conclusive functional and genetic evidence.